The following is an entry in ClinVar:

ClinVar aggregate classification (germline): Likely benign (1 of 4 stars; one submission).

gnomAD v4.1: 1,397 of 1,608,258 alleles (0.087%); highest among the groups gnomAD compares: South Asian, 0.18%; 4 homozygotes.

Submission:

CeGaT Center for Human Genetics Tuebingen
Classification: Likely benign. Last evaluated: 2025-11-01. Review status: criteria provided, single submitter. Criteria: CeGaT Center For Human Genetics Tuebingen Variant Classification Criteria Version 2. Collection method: clinical testing. Allele origin: germline. Affected: yes. Observed: 1 variant allele.
Comment: ZNRF3: BP4, BS2

NM_001206998.2(ZNRF3):c.1635C>T (p.Asp545=)

Gene: ZNRF3 (zinc and ring finger 3; plus strand). Cytogenetic location: 22q12.1.
Variant type: single nucleotide variant.
Coding change: c.1635C>T on transcript NM_001206998.2 (MANE Select); coding-DNA position 1635, C replaced by T.
Protein change: p.Asp545=; no amino-acid change (aspartic acid 545 retained).
Molecular consequence: synonymous variant.
Genome position (GRCh38, 1-based): chr22:29,049,816, C>T. VCF-style: chr22-29049816-C-T. GRCh37 (hg19) VCF-style: chr22-29445804-C-T.
Other names: c.1335C>T, p.Asp445= (NM_032173.4).
Identifiers: ClinVar variation 4533514 (VCV004533514.6).